The following is an entry in ClinVar:

NM_000371.4(TTR):c.417G>A (p.Thr139=)

Gene: TTR (transthyretin; plus strand). Cytogenetic location: 18q12.1.
Variant type: single nucleotide variant.
Coding change: c.417G>A on transcript NM_000371.4 (MANE Select); coding-DNA position 417, G replaced by A.
Protein change: p.Thr139=; no amino-acid change (threonine 139 retained).
Molecular consequence: synonymous variant.
Genome position (GRCh38, 1-based): chr18:31,598,648, G>A. VCF-style: chr18-31598648-G-A. GRCh37 (hg19) VCF-style: chr18-29178611-G-A.
Other names: p.Thr139=.
Identifiers: ClinVar variation 43455 (VCV000043455.48), dbSNP rs2276382, ClinGen allele CA132602.

ClinVar aggregate classification (germline): Conflicting classifications of pathogenicity. Review status: criteria provided, conflicting classifications (1 of 4 stars). 16 submissions from 16 submitters: Uncertain significance (2); Benign (9); Likely benign (4). 1 of the submissions does not count toward it. Last evaluated 2026-09-01.

Conditions:
Cardiovascular phenotype. Identifiers: MedGen CN230736.
Charcot-Marie-Tooth disease. Also called: Charcot-Marie-Tooth Hereditary Neuropathy; Charcot-Marie-Tooth Neuropathy. Identifiers: Orphanet 166, MedGen C0007959, MONDO:0015626.
Cardiomyopathy (CMYO). Also called: Cardiomyopathies. Identifiers: Orphanet 167848, MedGen C0878544, MONDO:0004994, HP:0001638. Inheritance: Various modes of inheritance.
Amyloidosis, hereditary systemic 1 (AMYLD1). Also called: Hereditary Transthyretin Amyloidosis; Familial amyloid polyneuropathy; AMYLOID CARDIOMYOPATHY; Isolated Cardiac Amyloidosis; Amyloid Cardiomyopathy, Transthyretin-related; Transthyretin Amyloidosis. Identifiers: Orphanet 85447, Orphanet 85451, MedGen C2751492, MONDO:0971004, OMIM 105210.

Allele frequency attached by ClinVar (database versions not stated): ESP Exome Variant Server 0.00008; gnomAD 0.00104 and 0.00126; TOPMed 0.00189; ExAC 0.00279; 1000 Genomes Project 30x 0.00375; gnomAD exomes 0.00342; 1000 Genomes Project 0.00359.
gnomAD v4.1: 1,661 of 1,614,100 alleles (0.1%); highest among the groups gnomAD compares: East Asian, 1.8%; 13 homozygotes.

Submissions (16):

CeGaT Center for Human Genetics Tuebingen
Classification: Benign. Last evaluated: 2026-09-01. Review status: criteria provided, single submitter. Criteria: CeGaT Center For Human Genetics Tuebingen Variant Classification Criteria Version 2. Collection method: clinical testing. Allele origin: germline. Affected: yes. Observed: 7 variant alleles.
Comment: TTR: BP4, BP7, BS1, BS2

Labcorp Genetics (formerly Invitae), Labcorp
Classification: Benign for Amyloidosis, hereditary systemic 1. Last evaluated: 2026-02-02. Review status: criteria provided, single submitter. Criteria: Invitae Variant Classification Sherloc (09022015). Collection method: clinical testing. Allele origin: germline.

Mayo Clinic Laboratories, Mayo Clinic
Classification: Likely benign. Last evaluated: 2025-07-15. Review status: criteria provided, single submitter. Criteria: ACMG Guidelines, 2015. Collection method: clinical testing. Allele origin: germline. Observed: 6 variant alleles.

Molecular Diagnostic Laboratory for Inherited Cardiovascular Disease, Montreal Heart Institute
Classification: Benign. Last evaluated: 2025-04-09. Review status: criteria provided, single submitter. Criteria: ACMG Guidelines, 2015. Collection method: clinical testing. Allele origin: germline. Affected: no.

ARUP Laboratories, Molecular Genetics and Genomics, ARUP Laboratories
Classification: Benign. Last evaluated: 2025-01-02. Review status: criteria provided, single submitter. Criteria: ARUP Molecular Germline Variant Investigation Process 2024. Collection method: clinical testing. Allele origin: germline.

Blueprint Genetics
Classification: Likely benign. Last evaluated: 2024-11-25. Review status: criteria provided, single submitter. Criteria: ACMG Guidelines, 2015. Collection method: clinical testing. Allele origin: germline.

Athena Diagnostics
Classification: Benign. Last evaluated: 2024-05-17. Review status: criteria provided, single submitter. Criteria: Athena Diagnostics Criteria. Collection method: clinical testing. Allele origin: unknown.

CHEO Genetics Diagnostic Laboratory, Children's Hospital of Eastern Ontario
Classification: Benign for Cardiomyopathy. Last evaluated: 2018-02-14. Review status: criteria provided, single submitter. Criteria: ACMG Guidelines, 2015. Collection method: clinical testing. Allele origin: germline.

Illumina Laboratory Services, Illumina
Classification: Uncertain significance for Amyloidosis, hereditary systemic 1. Last evaluated: 2017-04-27. Review status: criteria provided, single submitter. Criteria: ICSL Variant Classification Criteria 13 December 2019. Collection method: clinical testing. Allele origin: germline.
Comment: This variant was observed as part of a predisposition screen in an ostensibly healthy population. A literature search was performed for the gene, cDNA change, and amino acid change (where applicable). Publications were found based on this search. However, the evidence from the literature, in combination with allele frequency data from public databases where available, was not sufficient to rule this variant in or out of causing disease. Therefore, this variant is classified as a variant of unknown significance.

Women's Health and Genetics/Laboratory Corporation of America, LabCorp
Classification: Benign. Last evaluated: 2016-04-28. Review status: criteria provided, single submitter. Criteria: LabCorp Variant Classification Summary - May 2015. Collection method: clinical testing. Allele origin: germline.
Comment: Variant summary: The c.417G>A variant involves the alteration of a non-conserved nucleotide resulting in a synonymous change. 5/5 in silico tools via Alamut the gain of a cryptic splice acceptor site, however, the significance of these predictions has not been supported with functional studies. The variant was observed in the large and broad cohorts of the ExAC project at an allele frequency of 0.28%, predominantly observed in the East Asian subpopulation at a frequency of 1.9% including 2 homozygous occurrences. This frequency greatly exceeds the maximal expected allele frequency for a pathogenic variant in TTR (0.003%), suggesting this is a benign polymorphism found primarily in population(s) of East Asian origin. The variant of interest has not, to our knowledge, been reported in affected individuals via publications nor evaluated for functional impact by in vivo/vitro studies. One reputable clinical lab has classified the variant as "benign". Due to the synonymous nature of the variant along with the high allele frequency in the general population, this variant has been classified as Benign.

Ambry Genetics
Classification: Likely benign for Cardiovascular phenotype. Last evaluated: 2015-04-22. Review status: criteria provided, single submitter. Criteria: Ambry Variant Classification Scheme 2023. Collection method: clinical testing. Allele origin: germline.

GeneDx
Classification: Benign. Last evaluated: 2015-03-03. Review status: criteria provided, single submitter. Criteria: GeneDx Variant Classification Process June 2021. Collection method: clinical testing. Allele origin: germline. Affected: yes.

Stanford Center for Inherited Cardiovascular Disease, Stanford University
Classification: Uncertain significance. Last evaluated: 2014-06-12. Review status: criteria provided, single submitter. Criteria: ACMG Guidelines, 2015. Collection method: provider interpretation. Allele origin: germline.

Laboratory for Molecular Medicine, Mass General Brigham Personalized Medicine
Classification: Benign. Last evaluated: 2012-04-13. Review status: criteria provided, single submitter. Criteria: LMM Criteria. Collection method: clinical testing. Allele origin: germline. Observed: 7 variant alleles.
Comment: Thr139Thr in exon 4 of TTR: This variant is not expected to have clinical signif icance because it does not alter an amino acid residue, is not located within th e splice consensus sequence, and it has been identified in 0.4% (9/2250) of chro mosomes from a broad, though clinically and racially unspecified population (dbS NP rs2276382).

Molecular Genetics Laboratory, London Health Sciences Centre
Classification: Likely benign for Charcot-Marie-Tooth disease. Review status: criteria provided, single submitter. Criteria: ACMG Guidelines, 2015. Collection method: clinical testing. Allele origin: germline. Affected: yes.

Molecular Genetics Laboratory, BC Children's and BC Women's Hospitals
Classification: Likely benign for Amyloidosis, hereditary systemic 1. Last evaluated: 2022-01-06. Review status: no assertion criteria provided. Criteria: ACMG Guidelines, 2015. Collection method: clinical testing. Allele origin: germline. Affected: yes. Not counted in ClinVar's aggregate classification.

Literature cited by the submitters: PubMed 36199823 (cited by Mayo Clinic Laboratories, Mayo Clinic and Athena Diagnostics); PubMed 27562180 (cited by Athena Diagnostics and Illumina Laboratory Services, Illumina); PubMed 16362527 (cited by Illumina Laboratory Services, Illumina); PubMed 24111657 (cited by Illumina Laboratory Services, Illumina); PubMed 22449240 (cited by Illumina Laboratory Services, Illumina).